The following is an entry in ClinVar:

NM_002230.4(JUP):c.141G>C (p.Glu47Asp)

Gene: JUP (junction plakoglobin; minus strand). Cytogenetic location: 17q21.2.
Variant type: single nucleotide variant.
Coding change: c.141G>C on transcript NM_002230.4 (MANE Select); coding-DNA position 141, G replaced by C.
Protein change: p.Glu47Asp; replaces glutamic acid 47 with aspartic acid.
Molecular consequence: missense variant.
Genome position (GRCh38, 1-based): chr17:41,771,714, C>G on the plus strand (G>C on the coding strand, the complement: JUP is on the minus strand). VCF-style: chr17-41771714-C-G. GRCh37 (hg19) VCF-style: chr17-39927966-C-G.
Other names: c.141G>C, p.Glu47Asp (NM_001352773.2, NM_001352774.2, NM_001352775.2 and 3 more transcripts); short protein forms E47D.
Identifiers: ClinVar variation 1326669 (VCV001326669.3), dbSNP rs2143735148, ClinGen allele CA399506823.
Genomic context (GRCh38, chr17:41,771,714, plus strand): 5'-GGGGGGCACCCCCTGGGTGTAAGTGGTGGTTTTCTTGAGCGTGTACTGGCGCCCGCAGGC[C>G]TCATCCTCCTCCATGATGCCCTTGCTGCTGACGGAGGGCACGCAGGTGTTGGCGCCCGAG-3'
Protein context (NP_002221.1, residues 37-57): VSSKGIMEED[Glu47Asp]ACGRQYTLKK

ClinVar aggregate classification (germline): Uncertain significance. Review status: criteria provided, multiple submitters, no conflicts (2 of 4 stars). 2 submissions from 2 submitters: Uncertain significance (2). Last evaluated 2025-06-22.

Conditions:
Cardiovascular phenotype. Identifiers: MedGen CN230736.

Allele frequency attached by ClinVar (database versions not stated): gnomAD exomes below 0.00001.
gnomAD v4.1: 2 of 1,614,188 alleles (0.00012%); highest among the groups gnomAD compares: Non-Finnish European, 0.00017%; no homozygotes.

Submissions (2):

Ambry Genetics
Classification: Uncertain significance for Cardiovascular phenotype. Last evaluated: 2025-06-22. Review status: criteria provided, single submitter. Criteria: Ambry Variant Classification Scheme 2023. Collection method: clinical testing. Allele origin: germline.
Comment: The p.E47D variant (also known as c.141G>C), located in coding exon 1 of the JUP gene, results from a G to C substitution at nucleotide position 141. The glutamic acid at codon 47 is replaced by aspartic acid, an amino acid with highly similar properties. This amino acid position is conserved. In addition, this alteration is predicted to be tolerated by in silico analysis. Based on the available evidence, the clinical significance of this variant remains unclear.

GeneDx
Classification: Uncertain significance. Last evaluated: 2021-11-18. Review status: criteria provided, single submitter. Criteria: GeneDx Variant Classification Process June 2021. Collection method: clinical testing. Allele origin: germline. Affected: yes.
Comment: Has not been previously published as pathogenic or benign to our knowledge; Not observed at significant frequency in large population cohorts (Lek et al., 2016); In silico analysis supports that this missense variant does not alter protein structure/function